The following is an entry in ClinVar:

ClinVar aggregate classification (germline): Uncertain significance (1 of 4 stars; one submission).

Conditions:
Charcot-Marie-Tooth disease type 4. Also called: Charcot-Marie-Tooth disease, type IV; Charcot-Marie-Tooth, Type 4. Identifiers: Orphanet 64749, MedGen C4082197, MONDO:0018995.

Allele frequency attached by ClinVar (database versions not stated): TOPMed 0.00002.

Submission:

Labcorp Genetics (formerly Invitae), Labcorp
Classification: Uncertain significance for Charcot-Marie-Tooth disease type 4. Last evaluated: 2024-06-03. Review status: criteria provided, single submitter. Criteria: Invitae Variant Classification Sherloc (09022015). Collection method: clinical testing. Allele origin: germline.
Comment: This sequence change replaces proline, which is neutral and non-polar, with histidine, which is basic and polar, at codon 258 of the PRX protein (p.Pro258His). This variant is not present in population databases (gnomAD no frequency). This variant has not been reported in the literature in individuals affected with PRX-related conditions. ClinVar contains an entry for this variant (Variation ID: 1504007). Algorithms developed to predict the effect of missense changes on protein structure and function are either unavailable or do not agree on the potential impact of this missense change (SIFT: "Not Available"; PolyPhen-2: "Probably Damaging"; Align-GVGD: "Not Available"). In summary, the available evidence is currently insufficient to determine the role of this variant in disease. Therefore, it has been classified as a Variant of Uncertain Significance.

NM_181882.3(PRX):c.773C>A (p.Pro258His)

Gene: PRX (periaxin; minus strand). Cytogenetic location: 19q13.2.
Variant type: single nucleotide variant.
Coding change: c.773C>A on transcript NM_181882.3 (MANE Select); coding-DNA position 773, C replaced by A.
Protein change: p.Pro258His; replaces proline 258 with histidine.
Molecular consequence: missense variant. On other transcripts: 3 prime UTR variant (1).
Genome position (GRCh38, 1-based): chr19:40,397,579, G>T on the plus strand (C>A on the coding strand, the complement: PRX is on the minus strand). VCF-style: chr19-40397579-G-T. GRCh37 (hg19) VCF-style: chr19-40903486-G-T.
Other names: c.*978C>A (NM_020956.2); short protein forms P258H.
Identifiers: ClinVar variation 1504007 (VCV001504007.7), dbSNP rs2079453076, ClinGen allele CA405899712.